The following is an entry in ClinVar:

NM_001134363.3(RBM20):c.364C>G (p.Gln122Glu)

Gene: RBM20 (RNA binding motif protein 20; plus strand). Cytogenetic location: 10q25.2.
Variant type: single nucleotide variant.
Coding change: c.364C>G on transcript NM_001134363.3 (MANE Select); coding-DNA position 364, C replaced by G.
Protein change: p.Gln122Glu; replaces glutamine 122 with glutamic acid.
Molecular consequence: missense variant.
Genome position (GRCh38, 1-based): chr10:110,780,973, C>G. VCF-style: chr10-110780973-C-G. GRCh37 (hg19) VCF-style: chr10-112540731-C-G.
Other names: c.364C>G (LRG_382t1, NM_001134363.2); short protein forms Q122E.
Identifiers: ClinVar variation 636811 (VCV000636811.5), dbSNP rs727504583, ClinGen allele CA378379808.

ClinVar aggregate classification (germline): Uncertain significance. Review status: criteria provided, multiple submitters, no conflicts (2 of 4 stars). 3 submissions from 3 submitters: Uncertain significance (3). Last evaluated 2025-04-09.

Conditions:
Dilated cardiomyopathy 1DD (CMD1DD). Identifiers: Orphanet 154, MedGen C2750995, MONDO:0013168, OMIM 613172.
Cardiovascular phenotype. Identifiers: MedGen CN230736.

Allele frequency attached by ClinVar (database versions not stated): TOPMed 0.00001.

Submissions (3):

Molecular Diagnostic Laboratory for Inherited Cardiovascular Disease, Montreal Heart Institute
Classification: Uncertain significance for Cardiovascular phenotype. Last evaluated: 2025-04-09. Review status: criteria provided, single submitter. Criteria: ACMG Guidelines, 2015. Collection method: clinical testing. Allele origin: germline. Affected: yes.
Comment: PM2, PP3

Labcorp Genetics (formerly Invitae), Labcorp
Classification: Uncertain significance for Dilated cardiomyopathy 1DD. Last evaluated: 2024-06-01. Review status: criteria provided, single submitter. Criteria: Invitae Variant Classification Sherloc (09022015). Collection method: clinical testing. Allele origin: germline.
Comment: This sequence change replaces glutamine, which is neutral and polar, with glutamic acid, which is acidic and polar, at codon 122 of the RBM20 protein (p.Gln122Glu). This variant is present in population databases (no rsID available, gnomAD 0.003%). This missense change has been observed in individual(s) with sudden unexplained death (PMID: 29247119). ClinVar contains an entry for this variant (Variation ID: 636811). Advanced modeling of protein sequence and biophysical properties (such as structural, functional, and spatial information, amino acid conservation, physicochemical variation, residue mobility, and thermodynamic stability) has been performed at Invitae for this missense variant, however the output from this modeling did not meet the statistical confidence thresholds required to predict the impact of this variant on RBM20 protein function. In summary, the available evidence is currently insufficient to determine the role of this variant in disease. Therefore, it has been classified as a Variant of Uncertain Significance.

Blueprint Genetics
Classification: Uncertain significance. Last evaluated: 2018-10-07. Review status: criteria provided, single submitter. Criteria: ACMG Guidelines, 2015. Collection method: clinical testing. Allele origin: germline.

Literature cited by the submitters: PubMed 29247119 (cited by Labcorp Genetics (formerly Invitae), Labcorp).